The following is an entry in ClinVar:

NM_016507.4(CDK12):c.3012T>G (p.Asp1004Glu)

Gene: CDK12 (cyclin dependent kinase 12; plus strand). Cytogenetic location: 17q12.
Variant type: single nucleotide variant.
Coding change: c.3012T>G on transcript NM_016507.4 (MANE Select); coding-DNA position 3012, T replaced by G.
Protein change: p.Asp1004Glu; replaces aspartic acid 1004 with glutamic acid.
Molecular consequence: missense variant.
Genome position (GRCh38, 1-based): chr17:39,520,004, T>G. VCF-style: chr17-39520004-T-G. GRCh37 (hg19) VCF-style: chr17-37676257-T-G.
Other names: c.3012T>G, p.Asp1004Glu (NM_015083.4); short protein forms D1004E.
Identifiers: ClinVar variation 4651457 (VCV004651457.1).

ClinVar aggregate classification (germline): Uncertain significance (1 of 4 stars; one submission).

Submission:

Ambry Genetics
Classification: Uncertain significance. Last evaluated: 2025-11-23. Review status: criteria provided, single submitter. Criteria: Ambry Variant Classification Scheme 2023. Collection method: clinical testing. Allele origin: germline.
Comment: The p.D1004E variant (also known as c.3012T>G), located in coding exon 11 of the CDK12 gene, results from a T to G substitution at nucleotide position 3012. The aspartic acid at codon 1004 is replaced by glutamic acid, an amino acid with highly similar properties. This amino acid position is conserved. In addition, the in silico prediction for this alteration is inconclusive. Based on the available evidence, the clinical significance of this variant remains unclear.